The following is an entry in ClinVar:

ClinVar aggregate classification (germline): Uncertain significance. Review status: criteria provided, multiple submitters, no conflicts (2 of 4 stars). 2 submissions from 2 submitters: Uncertain significance (2). Last evaluated 2021-08-28.

Conditions:
COG5-congenital disorder of glycosylation. Also called: CONGENITAL DISORDER OF GLYCOSYLATION, TYPE IIi; COG5-CDG; CDG IIi. Identifiers: Orphanet 263487, MedGen C3150876, MONDO:0013325, OMIM 613612.

Allele frequency attached by ClinVar (database versions not stated): gnomAD exomes below 0.00001 and 0.00002; ExAC 0.00002.
gnomAD v4.1: 5 of 1,606,104 alleles (0.00031%); highest among the groups gnomAD compares: Admixed American, 0.0017%; no homozygotes.

Submissions (2):

Labcorp Genetics (formerly Invitae), Labcorp
Classification: Uncertain significance for COG5-congenital disorder of glycosylation. Last evaluated: 2021-08-28. Review status: criteria provided, single submitter. Criteria: Invitae Variant Classification Sherloc (09022015). Collection method: clinical testing. Allele origin: germline.
Comment: This sequence change replaces methionine with threonine at codon 620 of the COG5 protein (p.Met620Thr). The methionine residue is highly conserved and there is a moderate physicochemical difference between methionine and threonine. The frequency data for this variant in the population databases is considered unreliable, as metrics indicate poor data quality at this position in the ExAC database. This variant has not been reported in the literature in individuals affected with COG5-related conditions. Algorithms developed to predict the effect of missense changes on protein structure and function are either unavailable or do not agree on the potential impact of this missense change (SIFT: "Deleterious"; PolyPhen-2: "Possibly Damaging"; Align-GVGD: "Class C0"). In summary, the available evidence is currently insufficient to determine the role of this variant in disease. Therefore, it has been classified as a Variant of Uncertain Significance.

GeneDx
Classification: Uncertain significance. Last evaluated: 2019-04-16. Review status: criteria provided, single submitter. Criteria: GeneDx Variant Classification Process June 2021. Collection method: clinical testing. Allele origin: germline. Affected: yes.
Comment: Not observed at a significant frequency in large population cohorts (Lek et al., 2016); Has not been previously published as pathogenic or benign to our knowledge

NM_006348.5(COG5):c.1766T>C (p.Met589Thr)

Gene: COG5 (component of oligomeric golgi complex 5; minus strand). Cytogenetic location: 7q22.3.
Variant type: single nucleotide variant.
Coding change: c.1766T>C on transcript NM_006348.5 (MANE Select); coding-DNA position 1766, T replaced by C.
Protein change: p.Met589Thr; replaces methionine 589 with threonine.
Molecular consequence: missense variant.
Genome position (GRCh38, 1-based): chr7:107,248,483, A>G on the plus strand (T>C on the coding strand, the complement: COG5 is on the minus strand). VCF-style: chr7-107248483-A-G. GRCh37 (hg19) VCF-style: chr7-106888928-A-G.
Other names: c.1766T>C, p.Met589Thr (NM_001161520.2, NM_001379513.1, NM_001379514.1); c.1604T>C, p.Met535Thr (NM_001379511.1); c.1592T>C, p.Met531Thr (NM_001379512.1); c.1196T>C, p.Met399Thr (NM_001379515.1); c.1052T>C, p.Met351Thr (NM_001379516.1); c.1703T>C, p.Met568Thr (NM_181733.4); short protein forms M351T, M399T, M531T, M535T, M568T, M589T.
Identifiers: ClinVar variation 1305234 (VCV001305234.6), dbSNP rs777200785, ClinGen allele CA4430785.